The following is an entry in ClinVar:

NM_024537.4(CARS2):c.1233A>C (p.Ala411=)

Gene: CARS2 (cysteinyl-tRNA synthetase 2, mitochondrial; minus strand). Cytogenetic location: 13q34.
Variant type: single nucleotide variant.
Coding change: c.1233A>C on transcript NM_024537.4 (MANE Select); coding-DNA position 1233, A replaced by C.
Protein change: p.Ala411=; no amino-acid change (alanine 411 retained).
Molecular consequence: synonymous variant. On other transcripts: non-coding transcript variant (2).
Genome position (GRCh38, 1-based): chr13:110,646,051, T>G on the plus strand (A>C on the coding strand, the complement: CARS2 is on the minus strand). VCF-style: chr13-110646051-T-G. GRCh37 (hg19) VCF-style: chr13-111298398-T-G.
Other names: c.447A>C, p.Ala149= (NM_001352252.2).
Identifiers: ClinVar variation 795919 (VCV000795919.10), dbSNP rs1304133948, ClinGen allele CA484815253.
Genomic context (GRCh38, chr13:110,646,051, plus strand): 5'-ATTCCCGTGGTGTGCAAGGCCCAGGATGGCATCAACCACCCTGGGTGTGTCAAAATCATC[T>G]GCCAAGGCCGCCTTCACGGCCCTCTTGGTGCTGGAGAGCCTGAGGGAAGAGGAGAGAACA-3'
Protein context (NP_078813.1, residues 401-421): STKRAVKAAL[Ala411=]DDFDTPRVVD

ClinVar aggregate classification (germline): Likely benign. Review status: criteria provided, single submitter (1 of 4 stars). 2 submissions from 2 submitters: Likely benign (1). 1 of the submissions does not count toward it. Last evaluated 2025-12-03.

Conditions:
Combined oxidative phosphorylation defect type 27. Also called: Combined oxidative phosphorylation deficiency 27. Identifiers: Orphanet 477774, MedGen C5567608, MONDO:0014728, OMIM 616672.
CARS2-related disorder. Also called: CARS2-related condition.

Allele frequency attached by ClinVar (database versions not stated): gnomAD exomes below 0.00001 and 0.00001; gnomAD 0.00001; TOPMed 0.00001.
gnomAD v4.1: 19 of 1,613,490 alleles (0.0012%); highest among the groups gnomAD compares: Non-Finnish European, 0.0016%; no homozygotes.

Submissions (2):

Labcorp Genetics (formerly Invitae), Labcorp
Classification: Likely benign for Combined oxidative phosphorylation defect type 27. Last evaluated: 2025-12-03. Review status: criteria provided, single submitter. Criteria: Invitae Variant Classification Sherloc (09022015). Collection method: clinical testing. Allele origin: germline.

PreventionGenetics, part of Exact Sciences
Classification: Likely benign for CARS2-related condition. Last evaluated: 2020-03-13. Review status: no assertion criteria provided. Collection method: clinical testing. Allele origin: germline. Not counted in ClinVar's aggregate classification.
Comment: This variant is classified as likely benign based on ACMG/AMP sequence variant interpretation guidelines (Richards et al. 2015 PMID: 25741868, with internal and published modifications).